The following is an entry in ClinVar:

NM_014994.3(MAPKBP1):c.478G>A (p.Val160Ile)

Gene: MAPKBP1 (mitogen-activated protein kinase binding protein 1; plus strand). Cytogenetic location: 15q15.1.
Variant type: single nucleotide variant.
Coding change: c.478G>A on transcript NM_014994.3 (MANE Select); coding-DNA position 478, G replaced by A.
Protein change: p.Val160Ile; replaces valine 160 with isoleucine.
Molecular consequence: missense variant. On other transcripts: non-coding transcript variant (2).
Genome position (GRCh38, 1-based): chr15:41,812,107, G>A. VCF-style: chr15-41812107-G-A. GRCh37 (hg19) VCF-style: chr15-42104305-G-A.
Other names: p.Val160Ile; c.478G>A, p.Val160Ile (NM_001128608.2, NM_001265611.2); short protein forms V160I.
Identifiers: ClinVar variation 771909 (VCV000771909.21), dbSNP rs61729967, ClinGen allele CA7497569.

ClinVar aggregate classification (germline): Benign/Likely benign. Review status: criteria provided, multiple submitters, no conflicts (2 of 4 stars). 5 submissions from 5 submitters: Benign (4); Likely benign (1). Last evaluated 2026-01-15.

Conditions:
Inborn genetic diseases. Identifiers: MedGen C0950123, MeSH D030342.

Allele frequency attached by ClinVar (database versions not stated): 1000 Genomes Project 30x 0.00219; 1000 Genomes Project 0.00240; ExAC 0.00585; gnomAD exomes 0.00611 and 0.01041; gnomAD 0.00643 and 0.00666; TOPMed 0.00737; ESP Exome Variant Server 0.00961.
gnomAD v4.1: 16,074 of 1,614,124 alleles (1%); highest among the groups gnomAD compares: Non-Finnish European, 1.3%; 97 homozygotes.

Submissions (5):

Labcorp Genetics (formerly Invitae), Labcorp
Classification: Benign. Last evaluated: 2026-01-15. Review status: criteria provided, single submitter. Criteria: Invitae Variant Classification Sherloc (09022015). Collection method: clinical testing. Allele origin: germline.

CeGaT Center for Human Genetics Tuebingen
Classification: Benign. Last evaluated: 2025-07-01. Review status: criteria provided, single submitter. Criteria: CeGaT Center For Human Genetics Tuebingen Variant Classification Criteria Version 2. Collection method: clinical testing. Allele origin: germline. Affected: yes. Observed: 1 variant allele.
Comment: MAPKBP1: BS1, BS2

Mayo Clinic Laboratories, Mayo Clinic
Classification: Benign. Last evaluated: 2023-12-21. Review status: criteria provided, single submitter. Criteria: ACMG Guidelines, 2015. Collection method: clinical testing. Allele origin: germline. Observed: 4 variant alleles.

Ambry Genetics
Classification: Likely benign for Inborn genetic diseases. Last evaluated: 2022-03-29. Review status: criteria provided, single submitter. Criteria: Ambry Variant Classification Scheme 2023. Collection method: clinical testing. Allele origin: germline.

Breakthrough Genomics
Classification: Benign. Review status: criteria provided, single submitter. Criteria: ACMG Guidelines, 2015. Collection method: not provided. Allele origin: germline. Inheritance: Autosomal recessive inheritance. Affected: yes.